The following is an entry in ClinVar:

ClinVar aggregate classification (germline): Uncertain significance (1 of 4 stars; one submission).

Allele frequency attached by ClinVar (database versions not stated): gnomAD exomes below 0.00001; ExAC 0.00001.
gnomAD v4.1: 1 of 1,613,494 alleles (0.000062%); no homozygotes.

Submission:

Labcorp Genetics (formerly Invitae), Labcorp
Classification: Uncertain significance. Last evaluated: 2021-12-16. Review status: criteria provided, single submitter. Criteria: Invitae Variant Classification Sherloc (09022015). Collection method: clinical testing. Allele origin: germline.
Comment: In summary, the available evidence is currently insufficient to determine the role of this variant in disease. Therefore, it has been classified as a Variant of Uncertain Significance. Algorithms developed to predict the effect of missense changes on protein structure and function output the following: SIFT: "Tolerated"; PolyPhen-2: "Benign"; Align-GVGD: "Class C0". The valine amino acid residue is found in multiple mammalian species, which suggests that this missense change does not adversely affect protein function. This variant has not been reported in the literature in individuals affected with DOCK6-related conditions. This variant is present in population databases (rs758620663, gnomAD 0.01%). This sequence change replaces isoleucine, which is neutral and non-polar, with valine, which is neutral and non-polar, at codon 927 of the DOCK6 protein (p.Ile927Val).

NM_020812.4(DOCK6):c.2779A>G (p.Ile927Val)

Gene: DOCK6 (dedicator of cytokinesis 6; minus strand). Cytogenetic location: 19p13.2.
Variant type: single nucleotide variant.
Coding change: c.2779A>G on transcript NM_020812.4 (MANE Select); coding-DNA position 2779, A replaced by G.
Protein change: p.Ile927Val; replaces isoleucine 927 with valine.
Molecular consequence: missense variant.
Genome position (GRCh38, 1-based): chr19:11,228,975, T>C on the plus strand (A>G on the coding strand, the complement: DOCK6 is on the minus strand). VCF-style: chr19-11228975-T-C. GRCh37 (hg19) VCF-style: chr19-11339651-T-C.
Other names: c.2884A>G, p.Ile962Val (NM_001367830.1); short protein forms I927V, I962V.
Identifiers: ClinVar variation 2012556 (VCV002012556.4), dbSNP rs758620663, ClinGen allele CA9207489.
Genomic context (GRCh38, chr19:11,228,975, plus strand): 5'-CCAGGCAGGGAGGAGGGGGTCTCACCATGAGCTGGAAGAAGAACCAGGCGTGCTGGAGGA[T>C]GGCCTCGCGTACGGCACTGCTGCTGACCACCCACTGCAGAGCCAGCTCCTCGTGAAGCAG-3'
Protein context (NP_065863.2, residues 917-937): VVSSSAVREA[Ile927Val]LQHAWFFFQL